The following is an entry in ClinVar:

ClinVar aggregate classification (germline): Uncertain significance. Review status: criteria provided, multiple submitters, no conflicts (2 of 4 stars). 2 submissions from 2 submitters: Uncertain significance (2). Last evaluated 2023-01-26.

Conditions:
EGFR-related lung cancer (EGFR). Identifiers: MedGen CN130014.

Allele frequency attached by ClinVar (database versions not stated): gnomAD 0.00001.

Submissions (2):

Labcorp Genetics (formerly Invitae), Labcorp
Classification: Uncertain significance for EGFR-related lung cancer. Last evaluated: 2023-01-26. Review status: criteria provided, single submitter. Criteria: Invitae Variant Classification Sherloc (09022015). Collection method: clinical testing. Allele origin: germline.
Comment: In summary, the available evidence is currently insufficient to determine the role of this variant in disease. Therefore, it has been classified as a Variant of Uncertain Significance. Algorithms developed to predict the effect of missense changes on protein structure and function output the following: SIFT: "Tolerated"; PolyPhen-2: "Probably Damaging"; Align-GVGD: "Class C0". The phenylalanine amino acid residue is found in multiple mammalian species, which suggests that this missense change does not adversely affect protein function. ClinVar contains an entry for this variant (Variation ID: 1365069). This variant has not been reported in the literature in individuals affected with EGFR-related conditions. This variant is not present in population databases (gnomAD no frequency). This sequence change replaces leucine, which is neutral and non-polar, with phenylalanine, which is neutral and non-polar, at codon 11 of the EGFR protein (p.Leu11Phe).

GeneDx
Classification: Uncertain significance. Last evaluated: 2022-05-05. Review status: criteria provided, single submitter. Criteria: GeneDx Variant Classification Process June 2021. Collection method: clinical testing. Allele origin: germline. Affected: yes.
Comment: Not observed at significant frequency in large population cohorts (gnomAD); In silico analysis supports that this missense variant does not alter protein structure/function; Has not been previously published as pathogenic or benign to our knowledge

NM_005228.5(EGFR):c.31C>T (p.Leu11Phe)

Gene: EGFR (epidermal growth factor receptor; plus strand). Cytogenetic location: 7p11.2.
Variant type: single nucleotide variant.
Coding change: c.31C>T on transcript NM_005228.5 (MANE Select); coding-DNA position 31, C replaced by T.
Protein change: p.Leu11Phe; replaces leucine 11 with phenylalanine.
Molecular consequence: missense variant.
Genome position (GRCh38, 1-based): chr7:55,019,308, C>T. VCF-style: chr7-55019308-C-T. GRCh37 (hg19) VCF-style: chr7-55087001-C-T.
Other names: c.31C>T, p.Leu11Phe (NM_001346897.2, NM_001346898.2, NM_001346899.2 and 4 more transcripts); short protein forms L11F.
Identifiers: ClinVar variation 1365069 (VCV001365069.7), dbSNP rs1786369664, ClinGen allele CA367611214.
Genomic context (GRCh38, chr7:55,019,308, plus strand): 5'-GAGCCGGAGCGAGCTCTTCGGGGAGCAGCGATGCGACCCTCCGGGACGGCCGGGGCAGCG[C>T]TCCTGGCGCTGCTGGCTGCGCTCTGCCCGGCGAGTCGGGCTCTGGAGGAAAAGAAAGGTA-3'
Protein context (NP_005219.2, residues 1-21): MRPSGTAGAA[Leu11Phe]LALLAALCPA